The following is an entry in ClinVar:

ClinVar aggregate classification (germline): Uncertain significance. Review status: criteria provided, multiple submitters, no conflicts (2 of 4 stars). 3 submissions from 3 submitters: Uncertain significance (3). Last evaluated 2025-09-26.

Conditions:
Inborn genetic diseases. Identifiers: MedGen C0950123, MeSH D030342.
Charcot-Marie-Tooth disease type 4. Also called: Charcot-Marie-Tooth disease, type IV; Charcot-Marie-Tooth, Type 4. Identifiers: Orphanet 64749, MedGen C4082197, MONDO:0018995.

Allele frequency attached by ClinVar (database versions not stated): gnomAD exomes below 0.00001 and 0.00001; TOPMed below 0.00001; ExAC 0.00001.

Submissions (3):

Ambry Genetics
Classification: Uncertain significance for Inborn genetic diseases. Last evaluated: 2025-09-26. Review status: criteria provided, single submitter. Criteria: Ambry Variant Classification Scheme 2023. Collection method: clinical testing. Allele origin: germline.

Labcorp Genetics (formerly Invitae), Labcorp
Classification: Uncertain significance for Charcot-Marie-Tooth disease type 4. Last evaluated: 2022-02-07. Review status: criteria provided, single submitter. Criteria: Invitae Variant Classification Sherloc (09022015). Collection method: clinical testing. Allele origin: germline.
Comment: ClinVar contains an entry for this variant (Variation ID: 618725). In summary, the available evidence is currently insufficient to determine the role of this variant in disease. Therefore, it has been classified as a Variant of Uncertain Significance. Algorithms developed to predict the effect of missense changes on protein structure and function (SIFT, PolyPhen-2, Align-GVGD) all suggest that this variant is likely to be disruptive. This variant has not been reported in the literature in individuals affected with MTMR2-related conditions. This variant is present in population databases (rs750110066, gnomAD 0.01%). This sequence change replaces proline, which is neutral and non-polar, with leucine, which is neutral and non-polar, at codon 554 of the MTMR2 protein (p.Pro554Leu).

ARUP Laboratories, Molecular Genetics and Genomics, ARUP Laboratories
Classification: Uncertain significance. Last evaluated: 2018-01-02. Review status: criteria provided, single submitter. Criteria: ARUP Molecular Germline Variant Investigation Process. Collection method: clinical testing. Allele origin: germline.
Comment: The MTMR2 c.1661C>T; p.Pro554Leu variant (rs750110066), to our knowledge, is not reported in the medical literature, gene specific variation databases, nor has it been previously identified by our laboratory. This variant is listed in the genome Aggregation Database (gnomAD) with an East Asian population frequency of 0.01% (identified on 2 out of 17,236 chromosomes). The proline at position 554 is highly conserved, considering 12 species, and computational analyses of the effects of the p.Pro554Leu variant on protein structure and function make conflicting predictions (SIFT: tolerated, MutationTaster: disease causing, PolyPhen-2: probably damaging). Based on the available evidence, the clinical significance of the p.Pro554Leu variant cannot be determined with certainty.

NM_016156.6(MTMR2):c.1661C>T (p.Pro554Leu)

Gene: MTMR2 (myotubularin related protein 2; minus strand). Cytogenetic location: 11q21.
Variant type: single nucleotide variant.
Coding change: c.1661C>T on transcript NM_016156.6 (MANE Select); coding-DNA position 1661, C replaced by T.
Protein change: p.Pro554Leu; replaces proline 554 with leucine.
Molecular consequence: missense variant.
Genome position (GRCh38, 1-based): chr11:95,836,257, G>A on the plus strand (C>T on the coding strand, the complement: MTMR2 is on the minus strand). VCF-style: chr11-95836257-G-A. GRCh37 (hg19) VCF-style: chr11-95569421-G-A.
Other names: c.1445C>T, p.Pro482Leu (NM_001243571.2, NM_201278.3, NM_201281.3); short protein forms P554L, P482L.
Identifiers: ClinVar variation 618725 (VCV000618725.17), dbSNP rs750110066, ClinGen allele CA6239905.